The following is an entry in ClinVar:

NM_018723.4(RBFOX1):c.182A>C (p.His61Pro)

Gene: RBFOX1 (RNA binding fox-1 homolog 1; plus strand). Cytogenetic location: 16p13.3.
Variant type: single nucleotide variant.
Coding change: c.182A>C on transcript NM_018723.4 (MANE Select); coding-DNA position 182, A replaced by C.
Protein change: p.His61Pro; replaces histidine 61 with proline.
Molecular consequence: missense variant.
Genome position (GRCh38, 1-based): chr16:7,518,301, A>C. VCF-style: chr16-7518301-A-C. GRCh37 (hg19) VCF-style: chr16-7568303-A-C.
Other names: c.182A>C, p.His61Pro (NM_001142333.2, NM_001142334.2, NM_001364800.2); c.311A>C, p.His104Pro (NM_001308117.1); c.242A>C, p.His81Pro (NM_145891.3, NM_145892.3, NM_145893.3); short protein forms H61P, H104P, H81P.
Identifiers: ClinVar variation 834730 (VCV000834730.8), dbSNP rs1037124321, ClinGen allele CA277945208.

ClinVar aggregate classification (germline): Uncertain significance (1 of 4 stars; one submission).

Conditions:
Idiopathic generalized epilepsy. Also called: Generalised epilepsy; EIG. Identifiers: MedGen C0270850, MONDO:0005579, OMIM 600669.

Allele frequency attached by ClinVar (database versions not stated): gnomAD exomes below 0.00001.
gnomAD v4.1: 6 of 1,614,110 alleles (0.00037%); highest among the groups gnomAD compares: Admixed American, 0.0083%; no homozygotes.

Submission:

Labcorp Genetics (formerly Invitae), Labcorp
Classification: Uncertain significance for Idiopathic generalized epilepsy. Last evaluated: 2025-08-14. Review status: criteria provided, single submitter. Criteria: Invitae Variant Classification Sherloc (09022015). Collection method: clinical testing. Allele origin: germline.
Comment: This sequence change replaces histidine, which is basic and polar, with proline, which is neutral and non-polar, at codon 81 of the RBFOX1 protein (p.His81Pro). This variant is not present in population databases (gnomAD no frequency). This variant has not been reported in the literature in individuals affected with RBFOX1-related conditions. ClinVar contains an entry for this variant (Variation ID: 834730). Invitae Evidence Modeling of protein sequence and biophysical properties (such as structural, functional, and spatial information, amino acid conservation, physicochemical variation, residue mobility, and thermodynamic stability) indicates that this missense variant is not expected to disrupt RBFOX1 protein function with a negative predictive value of 80%. In summary, the available evidence is currently insufficient to determine the role of this variant in disease. Therefore, it has been classified as a Variant of Uncertain Significance.